The following is an entry in ClinVar:

ClinVar aggregate classification (germline): Uncertain significance (1 of 4 stars; one submission).

Conditions:
Ataxia-telangiectasia syndrome (AT). Also called: Cerebello-oculocutaneous telangiectasia; Immunodeficiency with ataxia telangiectasia; Ataxia telangiectasia (A-T); LOUIS-BAR SYNDROME; Ataxia-telangiectasia, complementation group D; AT, COMPLEMENTATION GROUP C. Identifiers: Orphanet 100, MedGen C0004135, MONDO:0008840, OMIM 208900.

Submission:

Labcorp Genetics (formerly Invitae), Labcorp
Classification: Uncertain significance for Ataxia-telangiectasia syndrome. Last evaluated: 2022-06-30. Review status: criteria provided, single submitter. Criteria: Invitae Variant Classification Sherloc (09022015). Collection method: clinical testing. Allele origin: germline.
Comment: This variant has not been reported in the literature in individuals affected with ATM-related conditions. This variant is not present in population databases (gnomAD no frequency). This sequence change replaces phenylalanine, which is neutral and non-polar, with valine, which is neutral and non-polar, at codon 172 of the ATM protein (p.Phe172Val). Algorithms developed to predict the effect of sequence changes on RNA splicing suggest that this variant may disrupt the consensus splice site. Advanced modeling of protein sequence and biophysical properties (such as structural, functional, and spatial information, amino acid conservation, physicochemical variation, residue mobility, and thermodynamic stability) performed at Invitae indicates that this missense variant is not expected to disrupt ATM protein function. In summary, the available evidence is currently insufficient to determine the role of this variant in disease. Therefore, it has been classified as a Variant of Uncertain Significance.

NM_000051.4(ATM):c.514T>G (p.Phe172Val)

Gene: ATM (ATM serine/threonine kinase; plus strand). Cytogenetic location: 11q22.3.
Variant type: single nucleotide variant.
Coding change: c.514T>G on transcript NM_000051.4 (MANE Select); coding-DNA position 514, T replaced by G.
Protein change: p.Phe172Val; replaces phenylalanine 172 with valine.
Molecular consequence: missense variant.
Genome position (GRCh38, 1-based): chr11:108,243,970, T>G. VCF-style: chr11-108243970-T-G. GRCh37 (hg19) VCF-style: chr11-108114697-T-G.
Other names: c.514T>G, p.Phe172Val (NM_001351834.2); short protein forms F172V.
Identifiers: ClinVar variation 2012558 (VCV002012558.4), dbSNP rs786201608, ClinGen allele CA382527502.